The following is an entry in ClinVar:

ClinVar aggregate classification (germline): Pathogenic/Likely pathogenic. Review status: criteria provided, multiple submitters, no conflicts (2 of 4 stars). 13 submissions from 13 submitters: Pathogenic (9); Likely pathogenic (1). 3 of the submissions do not count toward it. Last evaluated 2025-05-08.

Conditions:
Hereditary hyperinsulinism.
Diabetes mellitus, transient neonatal, 2 (TNDM2). Identifiers: Orphanet 99886, MedGen C1835887, MONDO:0012480, OMIM 610374. Disease mechanism: loss of function.
Hyperinsulinemic hypoglycemia, familial, 1 (HHF1). Also called: Persistent hyperinsulinemic hypoglycemia of infancy; HYPERINSULINISM, FAMILIAL, WITH PANCREATIC NESIDIOBLASTOSIS; HYPOGLYCEMIA, HYPERINSULINEMIC, OF INFANCY; NESIDIOBLASTOSIS OF PANCREAS; Persistent Hyperinsulinemia Hypoglycemia of Infancy. Identifiers: Orphanet 276575, Orphanet 276598, MedGen C2931832, MONDO:0009734, OMIM 256450.
Leucine-induced hypoglycemia (LIH). Also called: LEUCINE-SENSITIVE HYPOGLYCEMIA OF INFANCY. Identifiers: MedGen C0271714, MONDO:0009415, OMIM 240800.
Type 2 diabetes mellitus. Also called: Type II diabetes mellitus. Identifiers: MedGen C0011860, MeSH D003924, MONDO:0005148, OMIM 125853, HP:0005978.
Diabetes mellitus, permanent neonatal 3. Also called: ABCC8-Related Permanent Neonatal Diabetes Mellitus. Identifiers: MedGen C5394303, MONDO:0030088, OMIM 618857.
Familial hyperinsulinism. Also called: Congenital hyperinsulinism. Identifiers: Orphanet 276525, MedGen C3888018, MONDO:0017182. Disease mechanism: loss of function.

Allele frequency attached by ClinVar (database versions not stated): TOPMed below 0.00001; gnomAD 0.00001; gnomAD exomes 0.00001 and 0.00002; ExAC 0.00002.
gnomAD v4.1: 12 of 1,614,068 alleles (0.00074%); highest among the groups gnomAD compares: Non-Finnish European, 0.001%; no homozygotes.

Submissions (13):

Natera, Inc.
Classification: Pathogenic for Hereditary hyperinsulinism. Last evaluated: 2025-05-08. Review status: criteria provided, single submitter. Criteria: Natera Variant Classification Schema (03/2026). Collection method: clinical testing. Allele origin: germline.
Comment: The c.2857C>T variant in ABCC8 is a nonsense variant predicted to introduce a stop codon at amino acid 953. This variant is expected to result in nonsense mediated decay, truncation, or a dysfunctional protein product. This variant is rare in the general population with a frequency below the threshold expected for the associated phenotype(s). This variant has been observed in one or more individuals affected with the associated recessive disease, as either homozygous or compound heterozygous with a second variant (PMID: 23869231). Given the available evidence, this variant is classified as Pathogenic.

Fulgent Genetics
Classification: Pathogenic for Type 2 diabetes mellitus; Leucine-induced hypoglycemia; Hyperinsulinemic hypoglycemia, familial, 1; Diabetes mellitus, transient neonatal, 2; Diabetes mellitus, permanent neonatal 3. Last evaluated: 2024-05-08. Review status: criteria provided, single submitter. Criteria: ACMG Guidelines, 2015. Collection method: clinical testing. Allele origin: germline.

Labcorp Genetics (formerly Invitae), Labcorp
Classification: Pathogenic. Last evaluated: 2024-01-25. Review status: criteria provided, single submitter. Criteria: Invitae Variant Classification Sherloc (09022015). Collection method: clinical testing. Allele origin: germline.
Comment: This sequence change creates a premature translational stop signal (p.Gln953*) in the ABCC8 gene. It is expected to result in an absent or disrupted protein product. Loss-of-function variants in ABCC8 are known to be pathogenic (PMID: 20685672, 23345197). This variant is present in population databases (rs541269678, gnomAD 0.004%). This premature translational stop signal has been observed in individuals with congenital hyperinsulinism (PMID: 9618169, 23275527, 23506826, 28442472). This variant is also known as p.Gln954*in the literature. ClinVar contains an entry for this variant (Variation ID: 188905). Algorithms developed to predict the effect of sequence changes on RNA splicing suggest that this variant may disrupt the consensus splice site. For these reasons, this variant has been classified as Pathogenic.

Baylor Genetics
Classification: Pathogenic for Type 2 diabetes mellitus. Last evaluated: 2023-12-22. Review status: criteria provided, single submitter. Criteria: ACMG Guidelines, 2015. Collection method: clinical testing. Allele origin: unknown.

HudsonAlpha Institute for Biotechnology
Classification: Pathogenic for Hyperinsulinemic hypoglycemia, familial, 1. Last evaluated: 2022-08-25. Review status: criteria provided, single submitter. Criteria: ACMG Guidelines, 2015. Collection method: research. Allele origin: paternal. Affected: yes. Observed: 1 variant allele. Study: HudsonAlpha-AGHI-WGS.
Comment: ACMG codes:PVS1, PS4M, PM2

Laboratoire de Génétique Moléculaire, CHU Bordeaux
Classification: Pathogenic for Hyperinsulinemic hypoglycemia, familial, 1. Last evaluated: 2022-07-22. Review status: criteria provided, single submitter. Criteria: ACMG Guidelines, 2015. Collection method: clinical testing. Allele origin: germline. Affected: yes.

Genetics and Molecular Pathology, SA Pathology
Classification: Pathogenic for Hyperinsulinemic hypoglycemia, familial, 1. Last evaluated: 2021-08-18. Review status: criteria provided, single submitter. Criteria: ACMG Guidelines, 2015. Collection method: clinical testing. Allele origin: germline. Affected: yes.

Illumina Laboratory Services, Illumina
Classification: Pathogenic for Hyperinsulinemic hypoglycemia, familial, 1. Last evaluated: 2021-06-11. Review status: criteria provided, single submitter. Criteria: ICSLVariantClassificationCriteria RUGD 01 April 2020. Collection method: clinical testing. Allele origin: unknown.
Comment: The ABCC8 c.2860C>T (p.Gln954Ter) variant is stop-gained variant that is predicted to result in a premature termination or absence of the protein. Across a selection of the available literature, the p.Gln954Ter variant has been reported in at least two individuals with paternally-inherited, monoallelic hyperinsulinemic hypoglycemia and in five individuals with autosomal recessive hyperinsulinemic hypoglycemia (Nestorowicz et al. 1998; Snider et al. 2013; Arya et al. 2014; Li et al. 2017). The p.Gln954Ter variant is reported in at a frequency of 0.00003516 in the European (non-Finnish) population of Genome Aggregation Database version 2.1.1. Based on the collective evidence, the p.Gln954Ter variant is classified as pathogenic for hyperinsulinemic hypoglycemia.

Women's Health and Genetics/Laboratory Corporation of America, LabCorp
Classification: Likely pathogenic for Familial hyperinsulinism. Last evaluated: 2018-05-14. Review status: criteria provided, single submitter. Criteria: LabCorp Variant Classification Summary - May 2015. Collection method: clinical testing. Allele origin: germline.
Comment: Variant summary: ABCC8 c.2857C>T (p.Gln953X) results in a premature termination codon, predicted to cause a truncation of the encoded protein or absence of the protein due to nonsense mediated decay, which are commonly known mechanisms for disease. Truncations downstream of this position have been classified as pathogenic by our laboratory (e.g., p.Arg998X and p.Asp1192fsX16). The variant allele was found at a frequency of 1.6e-05 in 246868 control chromosomes (gnomAD and publications). This frequency is not higher than expected for a pathogenic variant in ABCC8 causing Familial Hyperinsulinism (1.6e-05 vs 3.40e-03), allowing no conclusion about variant significance. The variant, c.2857C>T, has been reported in the literature in multiple individuals affected with Familial Hyperinsulinism (Nestorowicz_1998, Bellanne-Chantelot_2010, Arya_2014, Snider_2013, Valin_2013). These data indicate that the variant is very likely to be associated with disease. To our knowledge, no experimental evidence demonstrating an impact on protein function has been reported. One clinical diagnostic laboratory has submitted clinical-significance assessments for this variant to ClinVar after 2014 and classified it as pathogenic. Based on the evidence outlined above, the variant was classified as likely pathogenic.

Genetic Services Laboratory, University of Chicago
Classification: Pathogenic for Hyperinsulinemic hypoglycemia, familial, 1. Last evaluated: 2015-12-24. Review status: criteria provided, single submitter. Criteria: ACMG Guidelines, 2015. Collection method: clinical testing. Allele origin: germline. Affected: yes.

Counsyl
Classification: Likely pathogenic for Persistent hyperinsulinemic hypoglycemia of infancy. Last evaluated: 2014-07-25. Review status: no assertion criteria provided. Collection method: literature only. Allele origin: unknown. Inheritance: Autosomal recessive inheritance. Not counted in ClinVar's aggregate classification.

Joint Genome Diagnostic Labs from Nijmegen and Maastricht, Radboudumc and MUMC+
Classification: Likely pathogenic. Review status: no assertion criteria provided. Collection method: clinical testing. Allele origin: germline. Affected: yes. Study: VKGL Data-share Consensus. Not counted in ClinVar's aggregate classification.

Laboratory of Diagnostic Genome Analysis, Leiden University Medical Center (LUMC)
Classification: Pathogenic. Review status: no assertion criteria provided. Collection method: clinical testing. Allele origin: germline. Affected: yes. Study: VKGL Data-share Consensus. Not counted in ClinVar's aggregate classification.

Literature cited by the submitters: PubMed 23869231 (cited by Natera, Inc.); PubMed 20685672 (cited by Labcorp Genetics (formerly Invitae), Labcorp and Women's Health and Genetics/Laboratory Corporation of America, LabCorp); PubMed 23345197 (cited by Labcorp Genetics (formerly Invitae), Labcorp); PubMed 9618169 (cited by 4 submitters); PubMed 23275527 (cited by 3 submitters); PubMed 23506826 (cited by Labcorp Genetics (formerly Invitae), Labcorp); PubMed 28442472 (cited by Labcorp Genetics (formerly Invitae), Labcorp and Illumina Laboratory Services, Illumina); PubMed 25201519 (cited by Illumina Laboratory Services, Illumina and Women's Health and Genetics/Laboratory Corporation of America, LabCorp); PubMed 17236890 (cited by Women's Health and Genetics/Laboratory Corporation of America, LabCorp); PubMed 10338089 (cited by Women's Health and Genetics/Laboratory Corporation of America, LabCorp); PubMed 16416420 (cited by Women's Health and Genetics/Laboratory Corporation of America, LabCorp); PubMed 23652837 (cited by Women's Health and Genetics/Laboratory Corporation of America, LabCorp and Counsyl); PubMed 14715863 (cited by Women's Health and Genetics/Laboratory Corporation of America, LabCorp and Counsyl); PubMed 10685980 (cited by Women's Health and Genetics/Laboratory Corporation of America, LabCorp); PubMed 16357843 (cited by Counsyl).

NM_000352.6(ABCC8):c.2857C>T (p.Gln953Ter)

Gene: ABCC8 (ATP binding cassette subfamily C member 8; minus strand). Cytogenetic location: 11p15.1.
Variant type: single nucleotide variant.
Coding change: c.2857C>T on transcript NM_000352.6 (MANE Select); coding-DNA position 2857, C replaced by T.
Protein change: p.Gln953Ter; replaces glutamine 953 with a stop codon.
Molecular consequence: nonsense. On other transcripts: non-coding transcript variant (1).
Genome position (GRCh38, 1-based): chr11:17,407,417, G>A on the plus strand (C>T on the coding strand, the complement: ABCC8 is on the minus strand). VCF-style: chr11-17407417-G-A. GRCh37 (hg19) VCF-style: chr11-17428964-G-A.
Other names: c.2860C>T, p.Gln954Ter (NM_001287174.3); c.2923C>T, p.Gln975Ter (NM_001351295.2); c.2857C>T, p.Gln953Ter (NM_001351296.2); c.2854C>T, p.Gln952Ter (NM_001351297.2); short protein forms Q953*, Q954*, Q975*, Q952*.
Identifiers: ClinVar variation 188905 (VCV000188905.31), dbSNP rs541269678, ClinGen allele CA274108.